The following is an entry in ClinVar:

NM_138694.4(PKHD1):c.306G>A (p.Glu102=)

Gene: PKHD1 (PKHD1 ciliary IPT domain containing fibrocystin/polyductin; minus strand). Cytogenetic location: 6p12.2.
Variant type: single nucleotide variant.
Coding change: c.306G>A on transcript NM_138694.4 (MANE Select); coding-DNA position 306, G replaced by A.
Protein change: p.Glu102=; no amino-acid change (glutamic acid 102 retained).
Molecular consequence: synonymous variant.
Genome position (GRCh38, 1-based): chr6:52,079,984, C>T on the plus strand (G>A on the coding strand, the complement: PKHD1 is on the minus strand). VCF-style: chr6-52079984-C-T. GRCh37 (hg19) VCF-style: chr6-51944782-C-T.
Other names: p.Glu102=; c.306G>A, p.Glu102= (NM_170724.3); c.306G>A (NM_138694.3).
Identifiers: ClinVar variation 1548524 (VCV001548524.11), dbSNP rs759126073, ClinGen allele CA3853967.

ClinVar aggregate classification (germline): Likely benign. Review status: criteria provided, multiple submitters, no conflicts (2 of 4 stars). 4 submissions from 4 submitters: Likely benign (3). 1 of the submissions does not count toward it. Last evaluated 2025-09-03.

Conditions:
Polycystic kidney disease 4 (PKD4). Also called: POLYCYSTIC KIDNEY DISEASE 4 WITH OR WITHOUT POLYCYSTIC LIVER DISEASE; PKD3; Autosomal Recessive Polycystic Kidney Disease – PKHD1; POLYCYSTIC KIDNEY AND HEPATIC DISEASE 1; POLYCYSTIC KIDNEY DISEASE, INFANTILE, TYPE I. Identifiers: MedGen C4540575, MONDO:0033004, OMIM 263200.
PKHD1-related disorder. Also called: PKHD1-related condition.
Autosomal recessive polycystic kidney disease (ARPKD). Also called: AR polycystic kidney disease. Identifiers: Orphanet 731, Orphanet 8378, MedGen C0085548, MeSH D017044, MONDO:0009889.

Allele frequency attached by ClinVar (database versions not stated): gnomAD exomes 0.00001; ExAC 0.00002; gnomAD 0.00003 and 0.00004; TOPMed 0.00005.
gnomAD v4.1: 17 of 1,606,924 alleles (0.0011%); highest among the groups gnomAD compares: African/African-American, 0.015%; no homozygotes.

Submissions (4):

Mayo Clinic Laboratories, Mayo Clinic
Classification: Likely benign. Last evaluated: 2025-09-03. Review status: criteria provided, single submitter. Criteria: ACMG Guidelines, 2015. Collection method: clinical testing. Allele origin: germline. Observed: 1 variant allele.
Comment: BP4, BP7, PM2_supporting

Labcorp Genetics (formerly Invitae), Labcorp
Classification: Likely benign for Autosomal recessive polycystic kidney disease. Last evaluated: 2025-06-12. Review status: criteria provided, single submitter. Criteria: Invitae Variant Classification Sherloc (09022015). Collection method: clinical testing. Allele origin: germline.

Fulgent Genetics
Classification: Likely benign for Polycystic kidney disease 4. Last evaluated: 2024-05-24. Review status: criteria provided, single submitter. Criteria: ACMG Guidelines, 2015. Collection method: clinical testing. Allele origin: germline.

PreventionGenetics, part of Exact Sciences
Classification: Likely benign for PKHD1-related condition. Last evaluated: 2024-07-19. Review status: no assertion criteria provided. Collection method: clinical testing. Allele origin: germline. Not counted in ClinVar's aggregate classification.
Comment: This variant is classified as likely benign based on ACMG/AMP sequence variant interpretation guidelines (Richards et al. 2015 PMID: 25741868, with internal and published modifications).